The following is an entry in ClinVar:

ClinVar aggregate classification (germline): Likely benign. Review status: criteria provided, multiple submitters, no conflicts (2 of 4 stars). 2 submissions from 2 submitters: Likely benign (2). Last evaluated 2026-09-13.

Conditions:
CEP290-related disorder. Also called: CEP290-related condition; CEP290-related disorders. Identifiers: MedGen CN239314.
Meckel-Gruber syndrome. Also called: DYSENCEPHALIA SPLANCHNOCYSTICA; Dysencephalia splachnocystica; GRUBER SYNDROME. Identifiers: Orphanet 564, MedGen C0265215, MONDO:0018921.
Joubert syndrome. Also called: Familial aplasia of the vermis; JOUBERT-BOLTSHAUSER SYNDROME. Identifiers: Orphanet 475, MedGen C5979921, MONDO:0018772.
Nephronophthisis. Also called: Juvenile Nephronophthisis. Identifiers: Orphanet 655, MedGen C0687120, MONDO:0019005, HP:0000090.

Allele frequency attached by ClinVar (database versions not stated): gnomAD exomes below 0.00001 and 0.00001; ExAC 0.00001.
gnomAD v4.1: 3 of 1,598,472 alleles (0.00019%); highest among the groups gnomAD compares: East Asian, 0.0067%; no homozygotes.

Submissions (2):

PreventionGenetics, part of Exact Sciences
Classification: Likely benign for CEP290-related condition. Last evaluated: 2026-09-13. Review status: criteria provided, single submitter. Criteria: ACMG Guidelines, 2015. Collection method: clinical testing. Allele origin: germline.
Comment: This variant is classified as likely benign based on ACMG/AMP sequence variant interpretation guidelines (Richards et al. 2015 PMID: 25741868, with internal and published modifications).

Labcorp Genetics (formerly Invitae), Labcorp
Classification: Likely benign for Joubert syndrome; Meckel-Gruber syndrome; Nephronophthisis. Last evaluated: 2023-03-21. Review status: criteria provided, single submitter. Criteria: Invitae Variant Classification Sherloc (09022015). Collection method: clinical testing. Allele origin: germline.

NM_025114.4(CEP290):c.3930A>G (p.Glu1310=)

Gene: CEP290 (centrosomal protein 290; minus strand). Cytogenetic location: 12q21.32.
Variant type: single nucleotide variant.
Coding change: c.3930A>G on transcript NM_025114.4 (MANE Select); coding-DNA position 3930, A replaced by G.
Protein change: p.Glu1310=; no amino-acid change (glutamic acid 1310 retained).
Molecular consequence: synonymous variant.
Genome position (GRCh38, 1-based): chr12:88,089,131, T>C on the plus strand (A>G on the coding strand, the complement: CEP290 is on the minus strand). VCF-style: chr12-88089131-T-C. GRCh37 (hg19) VCF-style: chr12-88482908-T-C.
Other names: c.3930A>G (NM_025114.3).
Identifiers: ClinVar variation 1149485 (VCV001149485.10), dbSNP rs775663498, ClinGen allele CA6712059.
Genomic context (GRCh38, chr12:88,089,131, plus strand): 5'-CTCTTCCAGGCCCTTTAATTTTAATTCCATCTCCAATGTTTTGTTCTCCATATTTCTATG[T>C]TCTTGTTGAGAATTTTTCATTTCTTGCATTATCTTAAGTTTGTCATTTTGTAGTTGAATC-3'
Protein context (NP_079390.3, residues 1300-1320): IMQEMKNSQQ[Glu1310=]HRNMENKTLE